The following is an entry in ClinVar:

NM_000264.5(PTCH1):c.3805G>T (p.Val1269Leu)

Gene: PTCH1 (patched 1; minus strand). Cytogenetic location: 9q22.32.
Variant type: single nucleotide variant.
Coding change: c.3805G>T on transcript NM_000264.5 (MANE Select); coding-DNA position 3805, G replaced by T.
Protein change: p.Val1269Leu; replaces valine 1269 with leucine.
Molecular consequence: missense variant. On other transcripts: non-coding transcript variant (1).
Genome position (GRCh38, 1-based): chr9:95,447,451, C>A on the plus strand (G>T on the coding strand, the complement: PTCH1 is on the minus strand). VCF-style: chr9-95447451-C-A. GRCh37 (hg19) VCF-style: chr9-98209733-C-A.
Other names: c.3607G>T, p.Val1203Leu (NM_001083602.3); c.3802G>T, p.Val1268Leu (NM_001083603.3); c.3352G>T, p.Val1118Leu (NM_001083604.3, NM_001083605.3, NM_001083606.3 and 1 more transcripts); c.3649G>T, p.Val1217Leu (NM_001354918.2); short protein forms V1268L, V1217L, V1269L, V1203L, V1118L.
Identifiers: ClinVar variation 946063 (VCV000946063.11), dbSNP rs1838059096, ClinGen allele CA374110886.

ClinVar aggregate classification (germline): Uncertain significance. Review status: criteria provided, multiple submitters, no conflicts (2 of 4 stars). 2 submissions from 2 submitters: Uncertain significance (2). Last evaluated 2026-01-07.

Conditions:
Hereditary cancer-predisposing syndrome. Also called: Neoplastic Syndromes, Hereditary; Hereditary neoplastic syndrome; Hereditary Cancer Syndrome; Tumor predisposition. Identifiers: Orphanet 140162, MedGen C0027672, MeSH D009386, MONDO:0015356.
Gorlin syndrome. Also called: Nevoid Basal Cell Carcinoma Syndrome; Basal cell nevus syndrome. Identifiers: Orphanet 377, MedGen C0004779, MONDO:0007187.

Submissions (2):

Labcorp Genetics (formerly Invitae), Labcorp
Classification: Uncertain significance for Gorlin syndrome. Last evaluated: 2026-01-07. Review status: criteria provided, single submitter. Criteria: Invitae Variant Classification Sherloc (09022015). Collection method: clinical testing. Allele origin: germline.
Comment: This sequence change replaces valine, which is neutral and non-polar, with leucine, which is neutral and non-polar, at codon 1269 of the PTCH1 protein (p.Val1269Leu). This variant is not present in population databases (gnomAD no frequency). This variant has not been reported in the literature in individuals affected with PTCH1-related conditions. ClinVar contains an entry for this variant (Variation ID: 946063). Invitae Evidence Modeling of protein sequence and biophysical properties (such as structural, functional, and spatial information, amino acid conservation, physicochemical variation, residue mobility, and thermodynamic stability) indicates that this missense variant is not expected to disrupt PTCH1 protein function with a negative predictive value of 95%. Algorithms developed to predict the effect of sequence changes on RNA splicing suggest that this variant may disrupt the consensus splice site. In summary, the available evidence is currently insufficient to determine the role of this variant in disease. Therefore, it has been classified as a Variant of Uncertain Significance.

Ambry Genetics
Classification: Uncertain significance for Hereditary cancer-predisposing syndrome. Last evaluated: 2024-09-30. Review status: criteria provided, single submitter. Criteria: Ambry Variant Classification Scheme 2023. Collection method: clinical testing. Allele origin: germline.
Comment: The p.V1269L variant (also known as c.3805G>T), located in coding exon 23 of the PTCH1 gene, results from a G to T substitution at nucleotide position 3805. This variant impacts the first base pair of coding exon 23. The valine at codon 1269 is replaced by leucine, an amino acid with highly similar properties. This amino acid position is well conserved in available vertebrate species. In addition, the in silico prediction for this alteration is inconclusive. Based on the available evidence, the clinical significance of this variant remains unclear.